The following is an entry in ClinVar:

ClinVar aggregate classification (germline): Uncertain significance (1 of 4 stars; one submission).

Conditions:
Atrial fibrillation, familial, 11 (ATFB11). Identifiers: MedGen C3279693, MONDO:0013544, OMIM 614049.
Atrial standstill 1 (ATRST1). Also called: Atrial standstill, digenic (GJA5/SCN5A); ATRIAL CARDIOMYOPATHY WITH HEART BLOCK; CARDIOMYOPATHY, FAMILIAL, WITH CONDUCTION DISTURBANCE. Identifiers: Orphanet 1344, MedGen C4551959, MONDO:0007171, OMIM 108770.

Submission:

Labcorp Genetics (formerly Invitae), Labcorp
Classification: Uncertain significance for Atrial fibrillation, familial, 11; Atrial standstill 1. Last evaluated: 2024-04-20. Review status: criteria provided, single submitter. Criteria: Invitae Variant Classification Sherloc (09022015). Collection method: clinical testing. Allele origin: germline.
Comment: This sequence change replaces aspartic acid, which is acidic and polar, with glutamic acid, which is acidic and polar, at codon 340 of the GJA5 protein (p.Asp340Glu). This variant is not present in population databases (gnomAD no frequency). This variant has not been reported in the literature in individuals affected with GJA5-related conditions. Algorithms developed to predict the effect of missense changes on protein structure and function output the following: SIFT: "Not Available"; PolyPhen-2: "Not Available"; Align-GVGD: "Not Available". The glutamic acid amino acid residue is found in multiple mammalian species, which suggests that this missense change does not adversely affect protein function. In summary, the available evidence is currently insufficient to determine the role of this variant in disease. Therefore, it has been classified as a Variant of Uncertain Significance.

NM_181703.4(GJA5):c.1020C>G (p.Asp340Glu)

Gene: GJA5 (gap junction protein alpha 5; minus strand). Cytogenetic location: 1q21.2.
Variant type: single nucleotide variant.
Coding change: c.1020C>G on transcript NM_181703.4 (MANE Select); coding-DNA position 1020, C replaced by G.
Protein change: p.Asp340Glu; replaces aspartic acid 340 with glutamic acid.
Molecular consequence: missense variant.
Genome position (GRCh38, 1-based): chr1:147,758,219, G>C on the plus strand (C>G on the coding strand, the complement: GJA5 is on the minus strand). VCF-style: chr1-147758219-G-C. GRCh37 (hg19) VCF-style: chr1-147230327-G-C.
Other names: c.1020C>G, p.Asp340Glu (NM_005266.7); short protein forms D340E.
Identifiers: ClinVar variation 2944297 (VCV002944297.3), dbSNP rs781918017, ClinGen allele CA342393593.
Genomic context (GRCh38, chr1:147,758,219, plus strand): 5'-GGGTCACACTGATAGGTCATCTGACCTTGCCTTGCTGCTGGCCTTACTAAGACGTCGCTT[G>C]TCACTATGATAGCCATGGGGAAGGCGGTGACCTGGTGAGACTCCATTGGGCACCTCAGGC-3'
Protein context (NP_859054.1, residues 330-350): GHRLPHGYHS[Asp340Glu]KRRLSKASSK